The following is an entry in ClinVar:

ClinVar aggregate classification (germline): Conflicting classifications of pathogenicity. Review status: criteria provided, conflicting classifications (1 of 4 stars). 2 submissions from 2 submitters: Likely pathogenic (1); Uncertain significance (1). Last evaluated 2026-10-06.

Conditions:
Telangiectasia, hereditary hemorrhagic, type 1 (HHT1). Also called: Osler Weber Rendu syndrome type 1; ENG-Related Hereditary Hemorrhagic Telangiectasia. Identifiers: Orphanet 774, MedGen C4551861, MONDO:0008535, OMIM 187300. Disease mechanism: loss of function.
Cardiovascular phenotype. Identifiers: MedGen CN230736.

Submissions (2):

Medical Genetics Unit, Mauro Baschirotto Institute for Rare Disease
Classification: Likely pathogenic for Telangiectasia, hereditary hemorrhagic, type 1. Last evaluated: 2026-10-06. Review status: criteria provided, single submitter. Criteria: ACMG Guidelines, 2015. Collection method: clinical testing. Allele origin: germline. Affected: yes.
Comment: The ENG c.1214_1219del variant results in an in-frame deletion/insertion, predicted to replace Leu405–Ser407 with a cysteine (p.Leu405_Ser407delinsCys). The variant is absent from the gnomAD population database (PM2). The in frame alteration results in a change in protein length in a non-repetitive region, supporting PM4. The variant was identified in the heterozygous state in two siblings, both clinically affected with hereditary hemorrhagic telangiectasia (HHT). The variant has also been previously reported in ClinVar as VUS and is currently classified as Likely Pathogenic by Franklin/Genoox. Taken together, the available evidence supports a classification of Likely Pathogenic for ENG-related HHT, with PM2 and PM4 as the directly applicable ACMG/AMP criteria. The variant was reported as a novel ENG variant in the published case report by Tagliapietra et al. (2022).

Ambry Genetics
Classification: Uncertain significance for Cardiovascular phenotype. Last evaluated: 2016-09-29. Review status: criteria provided, single submitter. Criteria: Ambry Variant Classification Scheme 2023. Collection method: clinical testing. Allele origin: germline.
Comment: The p.L405_S407delinsC variant (also known as c.1214_1219delTGCGCA), located in coding exon 9 of the ENG gene, results from an in-frame TGCGCA deletion at nucleotide positions 1214 to 1219. The three amino acid residues at codon 405 to 407 are replaced by a cystein. This variant was not reported in population based cohorts in the following databases: Database of Single Nucleotide Polymorphisms (dbSNP), NHLBI Exome Sequencing Project (ESP), and 1000 Genomes Project. In the ESP, this variant was not observed in 6503 samples (13006 alleles) with coverage at this position. Internal structure analysis reveals that the deletion disrupts a known structured region and is predicted to be highly unconserved. Since supporting evidence is limited at this time, the clinical significance of this alteration remains unclear.

NM_001114753.3(ENG):c.1214_1219del (p.Leu405_Ser407delinsCys)

Genes: ENG (endoglin; minus strand), LOC102723566 (uncharacterized LOC102723566; plus strand). Cytogenetic location: 9q34.11.
Variant type: Deletion.
Coding change: c.1214_1219del on transcript NM_001114753.3 (MANE Select); coding-DNA positions 1214 to 1219, 6 bases deleted (TGCGCA; older notation c.1214_1219delTGCGCA).
Protein change: p.Leu405_Ser407delinsCys.
Molecular consequence: inframe indel.
Genome position (GRCh38, 1-based): chr9:127,819,953-127,819,958, TGCGCA deleted on the plus strand (TGCGCA on the coding strand, the reverse complement: ENG is on the minus strand). VCF-style (leftmost placement, unchanged base first): chr9-127819952-CTGCGCA-C. GRCh37 (hg19) VCF-style: chr9-130582231-CTGCGCA-C.
Other names: c.1214_1219delTGCGCA, p.Leu405_Ser407delinsCys (NM_000118.4); c.668_673del, p.Leu223_Ser225delinsCys (NM_001278138.2).
Identifiers: ClinVar variation 1751044 (VCV001751044.3), dbSNP rs2539064149, ClinGen allele CA2580079598.
Genomic context (GRCh38, chr9:127,819,952, plus strand): 5'-GCTCTTACCTCATTGCTGATCATACTTGCTGACACCTGCATGCCACAGCTGGAGTAAGCA[CTGCGCA>C]AGACAAACTTGTCACCCCTGTCCTCTGCCTCACAGCTGGGGTCCCAGAAGGTCAGGCCCG-3'